The following is an entry in ClinVar:

NM_000124.4(ERCC6):c.2857C>A (p.Gln953Lys)

Genes: ERCC6 (ERCC excision repair 6, chromatin remodeling factor; minus strand), LOC126860933 (BRD4-independent group 4 enhancer GRCh37_chr10:50679962-50681161; plus strand). Cytogenetic location: 10q11.23.
Variant type: single nucleotide variant.
Coding change: c.2857C>A on transcript NM_000124.4 (MANE Select); coding-DNA position 2857, C replaced by A.
Protein change: p.Gln953Lys; replaces glutamine 953 with lysine.
Molecular consequence: missense variant.
Genome position (GRCh38, 1-based): chr10:49,472,443, G>T on the plus strand (C>A on the coding strand, the complement: ERCC6 is on the minus strand). VCF-style: chr10-49472443-G-T. GRCh37 (hg19) VCF-style: chr10-50680489-G-T.
Other names: c.2857C>A, p.Gln953Lys (NM_001346440.2); short protein forms Q953K.
Identifiers: ClinVar variation 4680870 (VCV004680870.2).

ClinVar aggregate classification (germline): Conflicting classifications of pathogenicity. Review status: criteria provided, conflicting classifications (1 of 4 stars). 2 submissions from 2 submitters: Likely pathogenic (1); Uncertain significance (1). Last evaluated 2026-05-20.

Conditions:
Cockayne spectrum with or without cerebrooculofacioskeletal syndrome. Identifiers: MedGen CN315928, MONDO:0100506.

gnomAD v4.1: 38 of 1,613,966 alleles (0.0024%); highest among the groups gnomAD compares: Non-Finnish European, 0.0029%; no homozygotes.

Submissions (2):

Myriad Genetics, Inc.
Classification: Uncertain significance for Cockayne spectrum with or without cerebrooculofacioskeletal syndrome. Last evaluated: 2026-05-20. Review status: criteria provided, single submitter. Criteria: Myriad Autosomal Dominant, Autosomal Recessive and X-Linked Classification Criteria (2023). Collection method: clinical testing. Allele origin: unknown.
Comment: NM_000124.2(ERCC6):c.2857C>A(Q953K) is a missense variant classified as a variant of uncertain significance in the context of ERCC6-related disorders. Q953K has been observed in a case with relevant disease (PMID: 29572252). Relevant functional assessments of this variant are available in the literature (PMID: 29572252). Q953K has not been observed in referenced population frequency databases. In summary, there is insufficient evidence to classify NM_000124.2(ERCC6):c.2857C>A(Q953K) as pathogenic or benign. Please note: this variant was assessed in the context of healthy population screening.

GeneDx
Classification: Likely pathogenic. Last evaluated: 2025-07-03. Review status: criteria provided, single submitter. Criteria: GeneDx Variant Classification Process June 2021. Collection method: clinical testing. Allele origin: germline. Affected: yes.
Comment: Has been observed with a frameshift variant in a patient with Cockayne syndrome in published literature (PMID: 29572252); In silico analysis supports that this missense variant has a deleterious effect on protein structure/function; Not observed at significant frequency in large population cohorts (gnomAD); This variant is associated with the following publications: (PMID: 29572252)

Literature cited by the submitters: PubMed 29572252 (cited by Myriad Genetics, Inc.).